The following is an entry in ClinVar:

ClinVar aggregate classification (germline): Uncertain significance (1 of 4 stars; one submission).

Conditions:
Cardiovascular phenotype. Identifiers: MedGen CN230736.

Submission:

Ambry Genetics
Classification: Uncertain significance for Cardiovascular phenotype. Last evaluated: 2023-06-29. Review status: criteria provided, single submitter. Criteria: Ambry Variant Classification Scheme 2023. Collection method: clinical testing. Allele origin: germline.
Comment: The p.H383Q variant (also known as c.1149C>A), located in coding exon 11 of the PRKAG2 gene, results from a C to A substitution at nucleotide position 1149. The histidine at codon 383 is replaced by glutamine, an amino acid with highly similar properties. This amino acid position is highly conserved in available vertebrate species. In addition, this alteration is predicted to be deleterious by in silico analysis. Since supporting evidence is limited at this time, the clinical significance of this alteration remains unclear.

NM_016203.4(PRKAG2):c.1149C>A (p.His383Gln)

Gene: PRKAG2 (protein kinase AMP-activated non-catalytic subunit gamma 2; minus strand). Cytogenetic location: 7q36.1.
Variant type: single nucleotide variant.
Coding change: c.1149C>A on transcript NM_016203.4 (MANE Select); coding-DNA position 1149, C replaced by A.
Protein change: p.His383Gln; replaces histidine 383 with glutamine.
Molecular consequence: missense variant.
Genome position (GRCh38, 1-based): chr7:151,568,800, G>T on the plus strand (C>A on the coding strand, the complement: PRKAG2 is on the minus strand). VCF-style: chr7-151568800-G-T. GRCh37 (hg19) VCF-style: chr7-151265886-G-T.
Other names: c.1017C>A, p.His339Gln (NM_001040633.2, NM_001407024.1); c.774C>A, p.His258Gln (NM_001304527.2, NM_001407029.1); c.426C>A, p.His142Gln (NM_001304531.2, NM_001407034.1, NM_001407035.1 and 1 more transcripts); c.777C>A, p.His259Gln (NM_001363698.2, NM_001407028.1); c.1149C>A, p.His383Gln (NM_001407021.1); c.1146C>A, p.His382Gln (NM_001407022.1, NM_001407023.1); c.1014C>A, p.His338Gln (NM_001407026.1, NM_001407027.1); c.861C>A, p.His287Gln (NM_001407030.1); and 6 more; short protein forms H142Q, H287Q, H382Q, H162Q, H258Q, H339Q, H141Q, H259Q.
Identifiers: ClinVar variation 2587188 (VCV002587188.2), dbSNP rs2536328815, ClinGen allele CA370071588.